The following is an entry in ClinVar:

ClinVar aggregate classification (germline): Uncertain significance (1 of 4 stars; one submission).

Conditions:
TTN-related disorder. Also called: TTN-related condition; TTN-related disease; TTN-related disorders.

gnomAD v4.1: 1 of 1,612,692 alleles (0.000062%); highest among the groups gnomAD compares: South Asian, 0.0011%; no homozygotes.

Submission:

PreventionGenetics, part of Exact Sciences
Classification: Uncertain significance for TTN-related condition. Last evaluated: 2026-02-20. Review status: criteria provided, single submitter. Criteria: ACMG Guidelines, 2015. Collection method: clinical testing. Allele origin: germline.
Comment: The TTN c.11311+4087A>G variant is predicted to interfere with splicing. Of note, this variant is also referred to as c.13363A>G (p.Lys4455Glu), located in exon 46 of the alternative Novex-3 transcript NM_133379 (minor small cardiac isoform). This exon is not included in any other TTN transcripts (principle cardiac or skeletal muscle isoforms). To our knowledge, this variant has not been reported in the literature or in a large population database (gnomAD), indicating this variant is rare. At this time, the clinical significance of this variant is uncertain due to the absence of conclusive functional and genetic evidence.

NM_001267550.2(TTN):c.11311+4087A>G

Gene: TTN (titin; minus strand). Cytogenetic location: 2q31.2.
Variant type: single nucleotide variant.
Coding change: c.11311+4087A>G on transcript NM_001267550.2 (MANE Select); 4087 bases into the intron after coding-DNA position 11311, A replaced by G.
Molecular consequence: intron variant. On other transcripts: missense variant (1).
Genome position (GRCh38, 1-based): chr2:178,749,037, T>C on the plus strand (A>G on the coding strand, the complement: TTN is on the minus strand). VCF-style: chr2-178749037-T-C. GRCh37 (hg19) VCF-style: chr2-179613764-T-C.
Other names: c.13363A>G, p.Lys4455Glu (NM_133379.5); c.10222+4087A>G (NM_003319.4); c.10798+4087A>G (NM_133437.4); c.10597+4087A>G (NM_133432.3); c.10360+4087A>G (NM_133378.4, NM_001256850.1); short protein forms K4455E.
Identifiers: ClinVar variation 4995050 (VCV004995050.1).
Genomic context (GRCh38, chr2:178,749,037, plus strand): 5'-TTTCTAGAACTCCTTTTTCTACATGTAATTTTTCAAATTCGATAATTCTATGCTTCACCT[T>C]TTTCCCCGGGTAGTGTATCTCTTCACCAAGGGATTCTTCATATACAATGGCAGATGAATC-3'